The following is an entry in ClinVar:

NM_006277.3(ITSN2):c.4811C>T (p.Thr1604Ile)

Gene: ITSN2 (intersectin 2; minus strand). Cytogenetic location: 2p23.3.
Variant type: single nucleotide variant.
Coding change: c.4811C>T on transcript NM_006277.3 (MANE Select); coding-DNA position 4811, C replaced by T.
Protein change: p.Thr1604Ile; replaces threonine 1604 with isoleucine.
Molecular consequence: missense variant.
Genome position (GRCh38, 1-based): chr2:24,204,370, G>A on the plus strand (C>T on the coding strand, the complement: ITSN2 is on the minus strand). VCF-style: chr2-24204370-G-A. GRCh37 (hg19) VCF-style: chr2-24427239-G-A.
Other names: c.4769C>T, p.Thr1590Ile (NM_001348181.2); c.4691C>T, p.Thr1564Ile (NM_001348182.2); c.4730C>T, p.Thr1577Ile (NM_019595.4); short protein forms T1564I, T1577I, T1590I, T1604I.
Identifiers: ClinVar variation 3356870 (VCV003356870.1).
Genomic context (GRCh38, chr2:24,204,370, plus strand): 5'-ATAAAGAACTGGCAGTTAAAATTCCACTTGGGATTGAGTGTGTCCTGGATGGTCCTGGTG[G>A]TGTAGCTCTGGGAGCCCATGCTGATTTCACAGTATGGGTTGCTCTTTCCTGAACAAAAAC-3'
Protein context (NP_006268.2, residues 1594-1614): CEISMGSQSY[Thr1604Ile]TRTIQDTLNP

ClinVar aggregate classification (germline): Uncertain significance (0 of 4 stars; one submission).

Conditions:
ITSN2-related disorder. Also called: ITSN2-related condition.

gnomAD v4.1: 12 of 1,614,186 alleles (0.00074%); highest among the groups gnomAD compares: Non-Finnish European, 0.001%; no homozygotes.

Submission:

PreventionGenetics, part of Exact Sciences
Classification: Uncertain significance for ITSN2-related condition. Last evaluated: 2024-06-01. Review status: no assertion criteria provided. Collection method: clinical testing. Allele origin: germline.
Comment: The ITSN2 c.4811C>T variant is predicted to result in the amino acid substitution p.Thr1604Ile. To our knowledge, this variant has not been reported in the literature or in a large population database, indicating this variant is rare. At this time, the clinical significance of this variant is uncertain due to the absence of conclusive functional and genetic evidence.